The following is an entry in ClinVar:

NC_000002.11:g.(?_152496863)_(152500325_?)del

Gene: NEB (nebulin; minus strand). Cytogenetic location: 2q23.3.
Variant type: Deletion.
Identifiers: ClinVar variation 3247259 (VCV003247259.1).

ClinVar aggregate classification (germline): Pathogenic (1 of 4 stars; one submission).

Conditions:
Nemaline myopathy 2 (NEM2). Also called: Nemaline myopathy 2, autosomal recessive. Identifiers: MedGen C1850569, MONDO:0009725, OMIM 256030.

Submission:

Labcorp Genetics (formerly Invitae), Labcorp
Classification: Pathogenic for Nemaline myopathy 2. Last evaluated: 2023-12-20. Review status: criteria provided, single submitter. Criteria: Invitae Variant Classification Sherloc (09022015). Collection method: clinical testing. Allele origin: unknown.
Comment: This variant is a gross deletion of the genomic region encompassing exon(s) 58-61 of the NEB gene. This variant would be expected to be in-frame, preserving the integrity of the reading frame. This variant has not been reported in the literature in individuals affected with NEB-related conditions. Experimental studies and prediction algorithms are not available or were not evaluated, and the functional significance of this variant is currently unknown. This variant disrupts a region of the NEB protein in which other variant(s) (p.Tyr2794Phe) have been determined to be pathogenic (PMID: 25205138). This suggests that this is a clinically significant region of the protein, and that variants that disrupt it are likely to be disease-causing. For these reasons, this variant has been classified as Pathogenic.

Literature cited by the submitters: PubMed 25205138.